The following is an entry in ClinVar:

ClinVar aggregate classification (germline): Likely benign. Review status: criteria provided, multiple submitters, no conflicts (2 of 4 stars). 5 submissions from 5 submitters: Likely benign (3). 2 of the submissions do not count toward it. Last evaluated 2026-01-12.

Conditions:
Multiple sulfatase deficiency (MSD). Also called: Multiple Sulfatase Deficiency Disease; Sulfatidosis, Juvenile, Austin Type; Mucosulfatidosis. Identifiers: Orphanet 585, MedGen C0268263, MONDO:0010088, OMIM 272200.
SUMF1-related disorder. Also called: SUMF1-related condition.

Allele frequency attached by ClinVar (database versions not stated): gnomAD 0.00005 and 0.00006; gnomAD exomes 0.00007 and 0.00013; TOPMed 0.00008; ExAC 0.00019.
gnomAD v4.1: 104 of 1,569,332 alleles (0.0066%); highest among the groups gnomAD compares: Middle Eastern, 0.11%; no homozygotes.

Submissions (5):

Labcorp Genetics (formerly Invitae), Labcorp
Classification: Likely benign for Multiple sulfatase deficiency. Last evaluated: 2026-01-12. Review status: criteria provided, single submitter. Criteria: Invitae Variant Classification Sherloc (09022015). Collection method: clinical testing. Allele origin: germline.

Blueprint Genetics
Classification: Likely benign. Last evaluated: 2024-11-14. Review status: criteria provided, single submitter. Criteria: ACMG Guidelines, 2015. Collection method: clinical testing. Allele origin: germline.

CeGaT Center for Human Genetics Tuebingen
Classification: Likely benign. Last evaluated: 2023-07-01. Review status: criteria provided, single submitter. Criteria: CeGaT Center For Human Genetics Tuebingen Variant Classification Criteria Version 2. Collection method: clinical testing. Allele origin: germline. Affected: yes. Observed: 1 variant allele.
Comment: SUMF1: BP4, BP7

PreventionGenetics, part of Exact Sciences
Classification: Likely benign for SUMF1-related condition. Last evaluated: 2024-08-05. Review status: no assertion criteria provided. Collection method: clinical testing. Allele origin: germline. Not counted in ClinVar's aggregate classification.
Comment: This variant is classified as likely benign based on ACMG/AMP sequence variant interpretation guidelines (Richards et al. 2015 PMID: 25741868, with internal and published modifications).

Natera, Inc.
Classification: Likely benign for Multiple sulfatase deficiency. Last evaluated: 2019-10-23. Review status: no assertion criteria provided. Collection method: clinical testing. Allele origin: germline. Not counted in ClinVar's aggregate classification.

NM_182760.4(SUMF1):c.192G>C (p.Ser64=)

Genes: SUMF1 (sulfatase modifying factor 1; minus strand), LOC129936056 (ATAC-STARR-seq lymphoblastoid silent region 14016; plus strand). Cytogenetic location: 3p26.1.
Variant type: single nucleotide variant.
Coding change: c.192G>C on transcript NM_182760.4 (MANE Select); coding-DNA position 192, G replaced by C.
Protein change: p.Ser64=; no amino-acid change (serine 64 retained).
Molecular consequence: synonymous variant.
Genome position (GRCh38, 1-based): chr3:4,467,054, C>G on the plus strand (G>C on the coding strand, the complement: SUMF1 is on the minus strand). VCF-style: chr3-4467054-C-G. GRCh37 (hg19) VCF-style: chr3-4508738-C-G.
Other names: c.192G>C, p.Ser64= (NM_001164674.2, NM_001164675.2); c.192G>C (NM_182760.3).
Identifiers: ClinVar variation 1126258 (VCV001126258.36), dbSNP rs770050124, ClinGen allele CA2230697.